The following is an entry in ClinVar:

NM_019032.6(ADAMTSL4):c.715G>C (p.Glu239Gln)

Genes: ADAMTSL4 (ADAMTS like 4; plus strand), ADAMTSL4-AS2 (ADAMTSL4 antisense RNA 2; minus strand). Cytogenetic location: 1q21.2.
Variant type: single nucleotide variant.
Coding change: c.715G>C on transcript NM_019032.6 (MANE Select); coding-DNA position 715, G replaced by C.
Protein change: p.Glu239Gln; replaces glutamic acid 239 with glutamine.
Molecular consequence: missense variant.
Genome position (GRCh38, 1-based): chr1:150,553,706, G>C. VCF-style: chr1-150553706-G-C. GRCh37 (hg19) VCF-style: chr1-150526182-G-C.
Other names: c.715G>C, p.Glu239Gln (NM_001288607.2, NM_001288608.2, NM_001378596.1 and 1 more transcripts); short protein forms E239Q.
Identifiers: ClinVar variation 1492860 (VCV001492860.3), dbSNP rs377690308, ClinGen allele CA342301914.
Genomic context (GRCh38, chr1:150,553,706, plus strand): 5'-CTGTCTGTCCACACCCCATCCCCCCAAGCAGAACCTCTAAGCCCTGAAACTGCTCAGACA[G>C]AGGTGGCCCCCAGAACCAGGCCTGCCCCCCTACGGCATCACCCCAGAGCCCAGGCCTCTG-3'
Protein context (NP_061905.2, residues 229-249): EPLSPETAQT[Glu239Gln]VAPRTRPAPL

ClinVar aggregate classification (germline): Uncertain significance (1 of 4 stars; one submission).

Allele frequency attached by ClinVar (database versions not stated): gnomAD exomes below 0.00001; TOPMed below 0.00001.
gnomAD v4.1: 8 of 1,612,676 alleles (0.0005%); highest among the groups gnomAD compares: South Asian, 0.0066%; no homozygotes.

Submission:

Labcorp Genetics (formerly Invitae), Labcorp
Classification: Uncertain significance. Last evaluated: 2021-10-08. Review status: criteria provided, single submitter. Criteria: Invitae Variant Classification Sherloc (09022015). Collection method: clinical testing. Allele origin: germline.
Comment: This sequence change replaces glutamic acid with glutamine at codon 239 of the ADAMTSL4 protein (p.Glu239Gln). The glutamic acid residue is moderately conserved and there is a small physicochemical difference between glutamic acid and glutamine. This variant is not present in population databases (ExAC no frequency). This variant has not been reported in the literature in individuals affected with ADAMTSL4-related conditions. Algorithms developed to predict the effect of missense changes on protein structure and function output the following: SIFT: "Tolerated"; PolyPhen-2: "Benign"; Align-GVGD: "Class C0". The glutamine amino acid residue is found in multiple mammalian species, which suggests that this missense change does not adversely affect protein function. In summary, the available evidence is currently insufficient to determine the role of this variant in disease. Therefore, it has been classified as a Variant of Uncertain Significance.